The following is an entry in ClinVar:

ClinVar aggregate classification (germline): Uncertain significance. Review status: criteria provided, multiple submitters, no conflicts (2 of 4 stars). 2 submissions from 2 submitters: Uncertain significance (2). Last evaluated 2025-08-29.

Conditions:
Inborn genetic diseases. Identifiers: MedGen C0950123, MeSH D030342.

Allele frequency attached by ClinVar (database versions not stated): ExAC 0.00002; gnomAD 0.00002; TOPMed 0.00002; gnomAD exomes 0.00006; ESP Exome Variant Server 0.00015.
gnomAD v4.1: 83 of 1,613,354 alleles (0.0051%); highest among the groups gnomAD compares: Non-Finnish European, 0.0067%; no homozygotes.

Submissions (2):

Ambry Genetics
Classification: Uncertain significance for Inborn genetic diseases. Last evaluated: 2025-08-29. Review status: criteria provided, single submitter. Criteria: Ambry Variant Classification Scheme 2023. Collection method: clinical testing. Allele origin: germline.

Labcorp Genetics (formerly Invitae), Labcorp
Classification: Uncertain significance. Last evaluated: 2022-03-27. Review status: criteria provided, single submitter. Criteria: Invitae Variant Classification Sherloc (09022015). Collection method: clinical testing. Allele origin: germline.
Comment: This sequence change replaces proline, which is neutral and non-polar, with serine, which is neutral and polar, at codon 279 of the EIF2B2 protein (p.Pro279Ser). This variant is present in population databases (rs142553958, gnomAD 0.003%). This variant has not been reported in the literature in individuals affected with EIF2B2-related conditions. Algorithms developed to predict the effect of missense changes on protein structure and function are either unavailable or do not agree on the potential impact of this missense change (SIFT: "Deleterious"; PolyPhen-2: "Benign"; Align-GVGD: "Class C0"). In summary, the available evidence is currently insufficient to determine the role of this variant in disease. Therefore, it has been classified as a Variant of Uncertain Significance.

NM_014239.4(EIF2B2):c.835C>T (p.Pro279Ser)

Gene: EIF2B2 (eukaryotic translation initiation factor 2B subunit beta; plus strand). Cytogenetic location: 14q24.3.
Variant type: single nucleotide variant.
Coding change: c.835C>T on transcript NM_014239.4 (MANE Select); coding-DNA position 835, C replaced by T.
Protein change: p.Pro279Ser; replaces proline 279 with serine.
Molecular consequence: missense variant.
Genome position (GRCh38, 1-based): chr14:75,007,725, C>T. VCF-style: chr14-75007725-C-T. GRCh37 (hg19) VCF-style: chr14-75474428-C-T.
Other names: c.835C>T (NM_014239.3); short protein forms P279S.
Identifiers: ClinVar variation 2190165 (VCV002190165.4), dbSNP rs142553958, ClinGen allele CA7275083.